The following is an entry in ClinVar:

NC_000005.9:g.(?_1814443)_(1816040_?)del

Gene: NDUFS6 (NADH:ubiquinone oxidoreductase subunit S6; plus strand). Cytogenetic location: 5p15.33.
Variant type: Deletion.
Identifiers: ClinVar variation 2425151 (VCV002425151.3).

ClinVar aggregate classification (germline): Pathogenic (1 of 4 stars; one submission).

Submission:

Labcorp Genetics (formerly Invitae), Labcorp
Classification: Pathogenic. Last evaluated: 2022-09-23. Review status: criteria provided, single submitter. Criteria: Invitae Variant Classification Sherloc (09022015). Collection method: clinical testing. Allele origin: germline.
Comment: This variant is a gross deletion of the genomic region encompassing exon(s) 3-4 of the NDUFS6 gene, which includes the termination codon. This deletion extends beyond the assayed region for this gene and therefore may encompass additional genes. While this deletion is not anticipated to lead to nonsense mediated decay, it is expected to alter mRNA translation or result in a truncated protein product. A similar copy number variant has been observed in individual(s) with mitochondrial complex I deficiency (PMID: 15372108). This variant disrupts a region of the NDUFS6 protein in which other variant(s) (p.Cys115Tyr) have been determined to be pathogenic (PMID: 19259137; Invitae). This suggests that this is a clinically significant region of the protein, and that variants that disrupt it are likely to be disease-causing. For these reasons, this variant has been classified as Pathogenic.

Literature cited by the submitters: PubMed 15372108; PubMed 19259137.